The following is an entry in ClinVar:

NM_001429.4(EP300):c.7168G>A (p.Ala2390Thr)

Gene: EP300 (EP300 lysine acetyltransferase; plus strand). Cytogenetic location: 22q13.2.
Variant type: single nucleotide variant.
Coding change: c.7168G>A on transcript NM_001429.4 (MANE Select); coding-DNA position 7168, G replaced by A.
Protein change: p.Ala2390Thr; replaces alanine 2390 with threonine.
Molecular consequence: missense variant.
Genome position (GRCh38, 1-based): chr22:41,178,879, G>A. VCF-style: chr22-41178879-G-A. GRCh37 (hg19) VCF-style: chr22-41574883-G-A.
Other names: c.7168G>A (NM_001429.3); c.7090G>A, p.Ala2364Thr (NM_001362843.2); short protein forms A2390T, A2364T.
Identifiers: ClinVar variation 2055942 (VCV002055942.27), dbSNP rs200567960, ClinGen allele CA10254050.

ClinVar aggregate classification (germline): Benign/Likely benign. Review status: criteria provided, multiple submitters, no conflicts (2 of 4 stars). 4 submissions from 4 submitters: Benign (1); Likely benign (3). Last evaluated 2025-05-30.

Conditions:
EP300-related disorder. Also called: EP300-related disorders; EP300-related condition.
Rubinstein-Taybi syndrome due to EP300 haploinsufficiency. Also called: RUBINSTEIN-TAYBI SYNDROME 2; EP300-Related Rubinstein-Taybi Syndrome. Identifiers: Orphanet 353284, Orphanet 783, MedGen C3150941, MONDO:0013364, OMIM 613684.

Allele frequency attached by ClinVar (database versions not stated): gnomAD 0.00003; gnomAD exomes 0.00005; TOPMed 0.00006; ExAC 0.00007.
gnomAD v4.1: 80 of 1,614,022 alleles (0.005%); highest among the groups gnomAD compares: Middle Eastern, 0.016%; no homozygotes.

Submissions (4):

Labcorp Genetics (formerly Invitae), Labcorp
Classification: Benign for Rubinstein-Taybi syndrome due to EP300 haploinsufficiency. Last evaluated: 2025-05-30. Review status: criteria provided, single submitter. Criteria: Invitae Variant Classification Sherloc (09022015). Collection method: clinical testing. Allele origin: germline.

PreventionGenetics, part of Exact Sciences
Classification: Likely benign for EP300-related condition. Last evaluated: 2025-01-30. Review status: criteria provided, single submitter. Criteria: ACMG Guidelines, 2015. Collection method: clinical testing. Allele origin: germline.
Comment: This variant is classified as likely benign based on ACMG/AMP sequence variant interpretation guidelines (Richards et al. 2015 PMID: 25741868, with internal and published modifications).

CeGaT Center for Human Genetics Tuebingen
Classification: Likely benign. Last evaluated: 2024-08-01. Review status: criteria provided, single submitter. Criteria: CeGaT Center For Human Genetics Tuebingen Variant Classification Criteria Version 2. Collection method: clinical testing. Allele origin: germline. Affected: yes. Observed: 1 variant allele.
Comment: EP300: BS1

GeneDx
Classification: Likely benign. Last evaluated: 2019-12-10. Review status: criteria provided, single submitter. Criteria: GeneDx Variant Classification Process June 2021. Collection method: clinical testing. Allele origin: germline. Affected: yes.
Comment: See Variant Classification Assertion Criteria.